The following is an entry in ClinVar:

ClinVar aggregate classification (germline): Uncertain significance (1 of 4 stars; one submission).

Conditions:
Cardiovascular phenotype. Identifiers: MedGen CN230736.

Submission:

Ambry Genetics
Classification: Uncertain significance for Cardiovascular phenotype. Last evaluated: 2025-03-31. Review status: criteria provided, single submitter. Criteria: Ambry Variant Classification Scheme 2023. Collection method: clinical testing. Allele origin: germline.
Comment: The p.L1290I variant (also known as c.3868C>A), located in coding exon 13 of the AKAP9 gene, results from a C to A substitution at nucleotide position 3868. The leucine at codon 1290 is replaced by isoleucine, an amino acid with highly similar properties. This amino acid position is conserved. In addition, this alteration is predicted to be tolerated by in silico analysis. Based on the available evidence, the clinical significance of this variant remains unclear.

NM_005751.5(AKAP9):c.3868C>A (p.Leu1290Ile)

Gene: AKAP9 (A-kinase anchoring protein 9; plus strand). Cytogenetic location: 7q21.2.
Variant type: single nucleotide variant.
Coding change: c.3868C>A on transcript NM_005751.5 (MANE Select); coding-DNA position 3868, C replaced by A.
Protein change: p.Leu1290Ile; replaces leucine 1290 with isoleucine.
Molecular consequence: missense variant.
Genome position (GRCh38, 1-based): chr7:92,022,268, C>A. VCF-style: chr7-92022268-C-A. GRCh37 (hg19) VCF-style: chr7-91651582-C-A.
Other names: c.3868C>A, p.Leu1290Ile (NM_147185.3); short protein forms L1290I.
Identifiers: ClinVar variation 4033749 (VCV004033749.1).